The following is an entry in ClinVar:

ClinVar aggregate classification (germline): Pathogenic (1 of 4 stars; one submission).

Allele frequency attached by ClinVar (database versions not stated): gnomAD exomes below 0.00001.
gnomAD v4.1: 1 of 1,614,174 alleles (0.000062%); highest among the groups gnomAD compares: Non-Finnish European, 0.000085%; no homozygotes.

Submission:

GeneDx
Classification: Pathogenic. Last evaluated: 2024-06-07. Review status: criteria provided, single submitter. Criteria: GeneDx Variant Classification Process June 2021. Collection method: clinical testing. Allele origin: germline.
Comment: Reported in the published literature in one patient from the Psychiatric Genomics Consortium Phase 3 Targeted Sequencing of Schizophrenia Study cohort (PMID: 36914870); Nonsense variant predicted to result in protein truncation or nonsense mediated decay in a gene for which loss of function is a known mechanism of disease; Not observed at significant frequency in large population cohorts (gnomAD); This variant is associated with the following publications: (PMID: 36914870)

NM_007118.4(TRIO):c.2842C>T (p.Arg948Ter)

Gene: TRIO (trio Rho guanine nucleotide exchange factor; plus strand). Cytogenetic location: 5p15.2.
Variant type: single nucleotide variant.
Coding change: c.2842C>T on transcript NM_007118.4 (MANE Select); coding-DNA position 2842, C replaced by T.
Protein change: p.Arg948Ter; replaces arginine 948 with a stop codon.
Molecular consequence: nonsense. On other transcripts: non-coding transcript variant (1).
Genome position (GRCh38, 1-based): chr5:14,366,947, C>T. VCF-style: chr5-14366947-C-T. GRCh37 (hg19) VCF-style: chr5-14367056-C-T.
Other names: short protein forms R948*.
Identifiers: ClinVar variation 2497879 (VCV002497879.2), dbSNP rs2532672976, ClinGen allele CA359213646.
Genomic context (GRCh38, chr5:14,366,947, plus strand): 5'-TCCATGTTAAATGCCGGACTTATCACAGCCAGCTCGTTACAAGAGGCAGAGCAGCTCCAG[C>T]GAGAGCACGAGCAGTTCCAGCATGCCATTGAGGTAAGGGCGCTGGGCCTGCCTGTGTGTT-3'